The following is an entry in ClinVar:

NC_000016.9:g.(?_84199369)_(84199575_?)del

Gene: DNAAF1 (dynein axonemal assembly factor 1; plus strand). Cytogenetic location: 16q23.3.
Variant type: Deletion.
Identifiers: ClinVar variation 3243219 (VCV003243219.1).

ClinVar aggregate classification (germline): Pathogenic (1 of 4 stars; one submission).

Conditions:
Primary ciliary dyskinesia. Also called: Ciliary dyskinesia. Identifiers: Orphanet 244, MedGen C0008780, MONDO:0016575, HP:0012265.

Submission:

Labcorp Genetics (formerly Invitae), Labcorp
Classification: Pathogenic for Primary ciliary dyskinesia. Last evaluated: 2023-06-14. Review status: criteria provided, single submitter. Criteria: Invitae Variant Classification Sherloc (09022015). Collection method: clinical testing. Allele origin: unknown.
Comment: For these reasons, this variant has been classified as Pathogenic. This variant has not been reported in the literature in individuals affected with DNAAF1-related conditions. This variant is a gross deletion of the genomic region encompassing exon(s) 7 of the DNAAF1 gene. This deletion is out-of-frame, and is expected to create a premature termination codon and result in an absent or disrupted protein product. Loss-of-function variants in DNAAF1 are known to be pathogenic (PMID: 19944400, 19944405).

Literature cited by the submitters: PubMed 19944400; PubMed 19944405.